The following is an entry in ClinVar:

ClinVar aggregate classification (germline): Uncertain significance (1 of 4 stars; one submission).

Conditions:
Cardiomyopathy (CMYO). Also called: Cardiomyopathies. Identifiers: Orphanet 167848, MedGen C0878544, MONDO:0004994, HP:0001638. Inheritance: Various modes of inheritance.

gnomAD v4.1: 2 of 1,609,670 alleles (0.00012%); highest among the groups gnomAD compares: Non-Finnish European, 0.00017%; no homozygotes.

Submission:

Color Diagnostics, LLC DBA Color Health
Classification: Uncertain significance for Cardiomyopathy. Last evaluated: 2024-09-24. Review status: criteria provided, single submitter. Criteria: ACMG Guidelines, 2015. Collection method: clinical testing. Allele origin: germline.
Comment: This missense variant replaces aspartic acid with glycine at codon 48 of the MYBPC3 protein. Computational prediction suggests that this variant may not impact protein structure and function. To our knowledge, functional studies have not been reported for this variant. This variant has not been reported in individuals affected with MYBPC3-related disorders in the literature. This variant has not been identified in the general population by the Genome Aggregation Database (gnomAD). The available evidence is insufficient to determine the role of this variant in disease conclusively. Therefore, this variant is classified as a Variant of Uncertain Significance.

NM_000256.3(MYBPC3):c.143A>G (p.Asp48Gly)

Gene: MYBPC3 (myosin binding protein C3; minus strand). Cytogenetic location: 11p11.2.
Variant type: single nucleotide variant.
Coding change: c.143A>G on transcript NM_000256.3 (MANE Select); coding-DNA position 143, A replaced by G.
Protein change: p.Asp48Gly; replaces aspartic acid 48 with glycine.
Molecular consequence: missense variant.
Genome position (GRCh38, 1-based): chr11:47,351,388, T>C on the plus strand (A>G on the coding strand, the complement: MYBPC3 is on the minus strand). VCF-style: chr11-47351388-T-C. GRCh37 (hg19) VCF-style: chr11-47372939-T-C.
Other names: short protein forms D48G.
Identifiers: ClinVar variation 3894059 (VCV003894059.1).